The following is an entry in ClinVar:

NM_000942.5(PPIB):c.170T>C (p.Val57Ala)

Gene: PPIB (peptidylprolyl isomerase B; minus strand). Cytogenetic location: 15q22.31.
Variant type: single nucleotide variant.
Coding change: c.170T>C on transcript NM_000942.5 (MANE Select); coding-DNA position 170, T replaced by C.
Protein change: p.Val57Ala; replaces valine 57 with alanine.
Molecular consequence: missense variant.
Genome position (GRCh38, 1-based): chr15:64,162,120, A>G on the plus strand (T>C on the coding strand, the complement: PPIB is on the minus strand). VCF-style: chr15-64162120-A-G. GRCh37 (hg19) VCF-style: chr15-64454319-A-G.
Other names: short protein forms V57A.
Identifiers: ClinVar variation 2223025 (VCV002223025.3), dbSNP rs758537632, ClinGen allele CA7608578.

ClinVar aggregate classification (germline): Uncertain significance. Review status: criteria provided, multiple submitters, no conflicts (2 of 4 stars). 2 submissions from 2 submitters: Uncertain significance (2). Last evaluated 2026-02-01.

Conditions:
Inborn genetic diseases. Identifiers: MedGen C0950123, MeSH D030342.

Allele frequency attached by ClinVar (database versions not stated): TOPMed below 0.00001; ExAC 0.00003; gnomAD exomes 0.00004.
gnomAD v4.1: 56 of 1,614,136 alleles (0.0035%); highest among the groups gnomAD compares: Non-Finnish European, 0.0047%; no homozygotes.

Submissions (2):

Labcorp Genetics (formerly Invitae), Labcorp
Classification: Uncertain significance. Last evaluated: 2026-02-01. Review status: criteria provided, single submitter. Criteria: Invitae Variant Classification Sherloc (09022015). Collection method: clinical testing. Allele origin: germline.
Comment: This sequence change replaces valine, which is neutral and non-polar, with alanine, which is neutral and non-polar, at codon 57 of the PPIB protein (p.Val57Ala). This variant is present in population databases (rs758537632, gnomAD 0.007%). This variant has not been reported in the literature in individuals affected with PPIB-related conditions. ClinVar contains an entry for this variant (Variation ID: 2223025). An algorithm developed to predict the effect of missense changes on protein structure and function outputs the following: PolyPhen-2: "Benign". The alanine amino acid residue is found in multiple mammalian species, which suggests that this missense change does not adversely affect protein function. In summary, the available evidence is currently insufficient to determine the role of this variant in disease. Therefore, it has been classified as a Variant of Uncertain Significance.

Ambry Genetics
Classification: Uncertain significance for Inborn genetic diseases. Last evaluated: 2022-02-03. Review status: criteria provided, single submitter. Criteria: Ambry Variant Classification Scheme 2023. Collection method: clinical testing. Allele origin: germline.